The following is an entry in ClinVar:

NM_014225.6(PPP2R1A):c.66T>A (p.Asn22Lys)

Gene: PPP2R1A (protein phosphatase 2 scaffold subunit Aalpha; plus strand). Cytogenetic location: 19q13.41.
Variant type: single nucleotide variant.
Coding change: c.66T>A on transcript NM_014225.6 (MANE Select); coding-DNA position 66, T replaced by A.
Protein change: p.Asn22Lys; replaces asparagine 22 with lysine.
Molecular consequence: missense variant. On other transcripts: non-coding transcript variant (1).
Genome position (GRCh38, 1-based): chr19:52,190,162, T>A. VCF-style: chr19-52190162-T-A. GRCh37 (hg19) VCF-style: chr19-52693415-T-A.
Other names: short protein forms N22K.
Identifiers: ClinVar variation 1304830 (VCV001304830.2), dbSNP rs2122267837, ClinGen allele CA407178629.
Genomic context (GRCh38, chr19:52,190,162, plus strand): 5'-GGCGGCCGACGGCGACGACTCGCTGTACCCCATCGCGGTGCTCATAGACGAACTCCGCAA[T>A]GAGGACGTTCAGGTCCGGAGGCTACGGGGGACTTGGGGAAGACGCGGAGGGGTACCTGGG-3'
Protein context (NP_055040.2, residues 12-32): PIAVLIDELR[Asn22Lys]EDVQLRLNSI

ClinVar aggregate classification (germline): Uncertain significance (1 of 4 stars; one submission).

Submission:

GeneDx
Classification: Uncertain significance. Last evaluated: 2019-10-03. Review status: criteria provided, single submitter. Criteria: GeneDx Variant Classification Process June 2021. Collection method: clinical testing. Allele origin: germline. Affected: yes.
Comment: Has not been previously published as pathogenic or benign to our knowledge; Not observed in large population cohorts (Lek et al., 2016); In silico analysis, which includes protein predictors and evolutionary conservation, supports a deleterious effect